The following is an entry in ClinVar:

NM_006343.3(MERTK):c.472G>A (p.Ala158Thr)

Gene: MERTK (MER proto-oncogene, tyrosine kinase; plus strand). Cytogenetic location: 2q13.
Variant type: single nucleotide variant.
Coding change: c.472G>A on transcript NM_006343.3 (MANE Select); coding-DNA position 472, G replaced by A.
Protein change: p.Ala158Thr; replaces alanine 158 with threonine.
Molecular consequence: missense variant.
Genome position (GRCh38, 1-based): chr2:111,929,530, G>A. VCF-style: chr2-111929530-G-A. GRCh37 (hg19) VCF-style: chr2-112687107-G-A.
Other names: short protein forms A158T.
Identifiers: ClinVar variation 1398836 (VCV001398836.7), dbSNP rs780214104, ClinGen allele CA1831034.
Genomic context (GRCh38, chr2:111,929,530, plus strand): 5'-CTTGGGGCACATCATGCAATTACACAGTTTTATCCAGATGATGAAGTTACAGCAATAATC[G>A]CTTCCTTCAGGTATGTGTTCTTTCTTCCTTTTTTATTTTTTTAGTTTTAATATTTATTTA-3'
Protein context (NP_006334.2, residues 148-168): YPDDEVTAII[Ala158Thr]SFSITSVQRS

ClinVar aggregate classification (germline): Uncertain significance. Review status: criteria provided, multiple submitters, no conflicts (2 of 4 stars). 3 submissions from 3 submitters: Uncertain significance (3). Last evaluated 2022-11-03.

Conditions:
Retinitis pigmentosa 38 (RP38). Also called: ROD-CONE DYSTROPHY, CHILDHOOD-ONSET. Identifiers: Orphanet 791, MedGen C3151228, MONDO:0013469, OMIM 613862.

Allele frequency attached by ClinVar (database versions not stated): gnomAD exomes 0.00001 and 0.00002; ExAC 0.00002; TOPMed 0.00003; gnomAD 0.00005 and 0.00006.
gnomAD v4.1: 18 of 1,606,464 alleles (0.0011%); highest among the groups gnomAD compares: African/African-American, 0.011%; no homozygotes.

Submissions (3):

Blueprint Genetics
Classification: Uncertain significance. Last evaluated: 2022-11-03. Review status: criteria provided, single submitter. Criteria: ACMG Guidelines, 2015. Collection method: clinical testing. Allele origin: germline.

Fulgent Genetics
Classification: Uncertain significance for Retinitis pigmentosa 38. Last evaluated: 2022-05-20. Review status: criteria provided, single submitter. Criteria: ACMG Guidelines, 2015. Collection method: clinical testing. Allele origin: unknown.

Labcorp Genetics (formerly Invitae), Labcorp
Classification: Uncertain significance. Last evaluated: 2021-10-19. Review status: criteria provided, single submitter. Criteria: Invitae Variant Classification Sherloc (09022015). Collection method: clinical testing. Allele origin: germline.
Comment: The frequency data for this variant in the population databases is considered unreliable, as metrics indicate poor data quality at this position in the ExAC database. This sequence change replaces alanine with threonine at codon 158 of the MERTK protein (p.Ala158Thr). The alanine residue is highly conserved and there is a small physicochemical difference between alanine and threonine. This variant has not been reported in the literature in individuals affected with MERTK-related conditions. In summary, the available evidence is currently insufficient to determine the role of this variant in disease. Therefore, it has been classified as a Variant of Uncertain Significance. Algorithms developed to predict the effect of missense changes on protein structure and function are either unavailable or do not agree on the potential impact of this missense change (SIFT: "Deleterious"; PolyPhen-2: "Benign"; Align-GVGD: "Class C55").